The following is an entry in ClinVar:

NM_018105.3(THAP1):c.229G>A (p.Val77Met)

Gene: THAP1 (THAP domain containing 1; minus strand). Cytogenetic location: 8p11.21.
Variant type: single nucleotide variant.
Coding change: c.229G>A on transcript NM_018105.3 (MANE Select); coding-DNA position 229, G replaced by A.
Protein change: p.Val77Met; replaces valine 77 with methionine.
Molecular consequence: missense variant. On other transcripts: intron variant (1).
Genome position (GRCh38, 1-based): chr8:42,839,224, C>T on the plus strand (G>A on the coding strand, the complement: THAP1 is on the minus strand). VCF-style: chr8-42839224-C-T. GRCh37 (hg19) VCF-style: chr8-42694367-C-T.
Other names: c.72-888G>A (NM_199003.2); short protein forms V77M.
Identifiers: ClinVar variation 3603278 (VCV003603278.1).

ClinVar aggregate classification (germline): Uncertain significance (1 of 4 stars; one submission).

Conditions:
Torsion dystonia 6 (DYT6). Also called: DYT-THAP1. Identifiers: Orphanet 98806, MedGen C1414216, MONDO:0011264, OMIM 602629.

Submission:

Neuberg Centre For Genomic Medicine, NCGM
Classification: Uncertain significance for Torsion dystonia 6. Review status: criteria provided, single submitter. Criteria: ACMG Guidelines, 2015. Collection method: clinical testing. Allele origin: germline. Inheritance: Autosomal dominant inheritance. Affected: yes.
Comment: The observed missense c.229G>A (p.Val77Met) variant in THAP1 gene has not been reported previously as a pathogenic variant nor as a benign variant, to our knowledge. The p.Val77Met variant is absent in gnomAD Exomes. This variant has not been submitted to the ClinVar database. Multiple lines of computational evidence (Polyphen - Probably damaging, SIFT – Damaging and Mutation Taster - Disease causing) predict a damaging effect on protein structure and function for this variant. ) The reference amino acid at this position on THAP1 gene is predicted as conserved by GERP++ and PhyloP across 100 vertebrates. The amino acid Val at position 77 is changed to a Met changing protein sequence and it might alter its composition and physico-chemical properties. For these reasons, this variant has been classified as Variant of Uncertain Significance (VUS).